The following is an entry in ClinVar:

ClinVar aggregate classification (germline): Conflicting classifications of pathogenicity. Review status: criteria provided, conflicting classifications (1 of 4 stars). 7 submissions from 7 submitters: Uncertain significance (1); Benign (1); Likely benign (4). 1 of the submissions does not count toward it. Last evaluated 2026-01-28.

Conditions:
Becker muscular dystrophy (BMD). Also called: MUSCULAR DYSTROPHY, PSEUDOHYPERTROPHIC PROGRESSIVE, BECKER TYPE; Becker Muscular Dystrophy (BMD). Identifiers: Orphanet 98895, MedGen C0917713, MONDO:0010311, OMIM 300376.
Cardiomyopathy (CMYO). Also called: Cardiomyopathies. Identifiers: Orphanet 167848, MedGen C0878544, MONDO:0004994, HP:0001638. Inheritance: Various modes of inheritance.
Dystrophin deficiency.
Duchenne muscular dystrophy (DMD). Also called: MUSCULAR DYSTROPHY, PSEUDOHYPERTROPHIC PROGRESSIVE, DUCHENNE TYPE; Duchenne Muscular Dystrophy (DMD). Identifiers: Orphanet 98896, MedGen C0013264, MONDO:0010679, OMIM 310200.
Cardiovascular phenotype. Identifiers: MedGen CN230736.
Dilated cardiomyopathy 3B (CMD3B). Also called: CMD3B: DMD-Related Dilated Cardiomyopathy; CARDIOMYOPATHY, DILATED, X-LINKED; DMD-Associated Dilated Cardiomyopathy. Identifiers: Orphanet 154, MedGen C3668940, MONDO:0010542, OMIM 302045.

Allele frequency attached by ClinVar (database versions not stated): ESP Exome Variant Server 0.00009; gnomAD exomes 0.00012 and 0.00032; gnomAD 0.00016 and 0.00017; TOPMed 0.00022; ExAC 0.00033.
gnomAD v4.1: 165 of 1,209,728 alleles (0.014%); highest among the groups gnomAD compares: Middle Eastern, 0.046%; no homozygotes.

Submissions (7):

Labcorp Genetics (formerly Invitae), Labcorp
Classification: Likely benign for Duchenne muscular dystrophy. Last evaluated: 2026-01-28. Review status: criteria provided, single submitter. Criteria: Invitae Variant Classification Sherloc (09022015). Collection method: clinical testing. Allele origin: germline.

CeGaT Center for Human Genetics Tuebingen
Classification: Likely benign. Last evaluated: 2025-10-01. Review status: criteria provided, single submitter. Criteria: CeGaT Center For Human Genetics Tuebingen Variant Classification Criteria Version 2. Collection method: clinical testing. Allele origin: germline. Affected: yes. Observed: 1 variant allele.
Comment: DMD: BS2

Illumina Laboratory Services, Illumina
Classification: Uncertain significance for Dilated cardiomyopathy 3B. Last evaluated: 2018-01-12. Review status: criteria provided, single submitter. Criteria: ICSL Variant Classification Criteria 13 December 2019. Collection method: clinical testing. Allele origin: germline.

Ambry Genetics
Classification: Benign for Cardiovascular phenotype. Last evaluated: 2017-11-15. Review status: criteria provided, single submitter. Criteria: Ambry Variant Classification Scheme 2023. Collection method: clinical testing. Allele origin: germline.

GeneDx
Classification: Likely benign. Last evaluated: 2017-08-04. Review status: criteria provided, single submitter. Criteria: GeneDx Variant Classification (06012015). Collection method: clinical testing. Allele origin: germline. Affected: yes.
Comment: This variant is considered likely benign or benign based on one or more of the following criteria: it is a conservative change, it occurs at a poorly conserved position in the protein, it is predicted to be benign by multiple in silico algorithms, and/or has population frequency not consistent with disease.

Eurofins Ntd Llc (ga)
Classification: Likely benign. Last evaluated: 2016-12-05. Review status: criteria provided, single submitter. Criteria: EGL Classification Definitions 2015. Collection method: clinical testing. Allele origin: germline. Observed: 1 variant allele, 1 hemizygote.

Natera, Inc.
Classification: Likely benign for Becker muscular dystrophy; Cardiomyopathy; Duchenne muscular dystrophy; Dystrophin deficiency. Last evaluated: 2019-06-25. Review status: no assertion criteria provided. Collection method: clinical testing. Allele origin: germline. Not counted in ClinVar's aggregate classification.

NM_004006.3(DMD):c.8974G>A (p.Val2992Met)

Gene: DMD (dystrophin; minus strand). Cytogenetic location: Xp21.2.
Variant type: single nucleotide variant.
Coding change: c.8974G>A on transcript NM_004006.3 (MANE Select); coding-DNA position 8974, G replaced by A.
Protein change: p.Val2992Met; replaces valine 2992 with methionine.
Molecular consequence: missense variant.
Genome position (GRCh38, 1-based): chrX:31,444,591, C>T on the plus strand (G>A on the coding strand, the complement: DMD is on the minus strand). VCF-style: chrX-31444591-C-T. GRCh37 (hg19) VCF-style: chrX-31462708-C-T.
Other names: p.V2992M:GTG>ATG; c.8950G>A, p.Val2984Met (NM_000109.4); c.8962G>A, p.Val2988Met (NM_004009.3); c.8605G>A, p.Val2869Met (NM_004010.3); c.4951G>A, p.Val1651Met (NM_004011.4); c.4942G>A, p.Val1648Met (NM_004012.4); c.1594G>A, p.Val532Met (NM_004013.3, NM_004020.4, NM_004021.3 and 2 more transcripts); c.787G>A, p.Val263Met (NM_004014.3); short protein forms V2992M, V263M, V2988M, V1651M, V2869M, V2984M, V1648M, V532M.
Identifiers: ClinVar variation 201741 (VCV000201741.29), dbSNP rs201691420, ClinGen allele CA308370.
Genomic context (GRCh38, chrX:31,444,591, plus strand): 5'-ACGGTGAGAGCTGAATGCCCAAAGTGGTAAGCTGGCGAGCAAGGTCATTGACGTGGCTCA[C>T]GTTCTCTTTCAGAGGCGCAATTTCTCCTCGAAGTGCCTGTGTGCAATAGTCAAAAGCAAA-3'
Protein context (NP_003997.2, residues 2982-3002): RGEIAPLKEN[Val2992Met]SHVNDLARQL